The following is an entry in ClinVar:

ClinVar aggregate classification (germline): Uncertain significance (0 of 4 stars; one submission).

Conditions:
ADCY3-related disorder. Also called: ADCY3-related condition.

Submission:

PreventionGenetics, part of Exact Sciences
Classification: Uncertain significance for ADCY3-related condition. Last evaluated: 2024-03-07. Review status: no assertion criteria provided. Collection method: clinical testing. Allele origin: germline.
Comment: The ADCY3 c.3007-24_3007-3del22 variant is predicted to result in an intronic deletion. To our knowledge, this variant has not been reported in the literature or in a large population database, indicating this variant is rare. At this time, the clinical significance of this variant is uncertain due to the absence of conclusive functional and genetic evidence.

NM_004036.5(ADCY3):c.3004-24_3004-3del

Genes: ADCY3 (adenylate cyclase 3; minus strand), CENPO (centromere protein O; plus strand). Cytogenetic location: 2p23.3.
Variant type: Deletion.
Coding change: c.3004-24_3004-3del on transcript NM_004036.5 (MANE Select); 24 bases into the intron before coding-DNA position 3004 through 3 bases into the intron before coding-DNA position 3004, 22 bases deleted (TTTCTCCACGGTCCCCTGGCAC).
Molecular consequence: intron variant. On other transcripts: 3 prime UTR variant (3), non-coding transcript variant (3).
Genome position (GRCh38, 1-based): chr2:24,821,643-24,821,664, GTGCCAGGGGACCGTGGAGAAA deleted on the plus strand (TTTCTCCACGGTCCCCTGGCAC on the coding strand, the reverse complement: ADCY3 is on the minus strand); deleting any 22 consecutive bases within chr2:24,821,643-24,821,667 gives the same sequence; the c. name uses the placement nearest the transcript's 3' end. VCF-style (leftmost placement, unchanged base first): chr2-24821642-TGTGCCAGGGGACCGTGGAGAAA-T. GRCh37 (hg19) VCF-style: chr2-25044511-TGTGCCAGGGGACCGTGGAGAAA-T.
Other names: c.*2328_*2349del (NM_001199803.3, NM_001322101.2, NM_024322.4); c.2452-24_2452-3del (NM_001377130.1); c.2866-24_2866-3del (NM_001377129.1); c.3007-24_3007-3del (NM_001320613.2); c.3070-24_3070-3del (NM_001377128.1); c.3004-24_3004-3del (NM_001377132.1); c.2281-24_2281-3del (NM_001377131.1).
Identifiers: ClinVar variation 3349489 (VCV003349489.1).